The following is an entry in ClinVar:

ClinVar aggregate classification (germline): Uncertain significance. Review status: criteria provided, multiple submitters, no conflicts (2 of 4 stars). 2 submissions from 2 submitters: Uncertain significance (2). Last evaluated 2022-08-09.

Conditions:
Inborn genetic diseases. Identifiers: MedGen C0950123, MeSH D030342.

Allele frequency attached by ClinVar (database versions not stated): ESP Exome Variant Server 0.00008.
gnomAD v4.1: 74 of 1,613,584 alleles (0.0046%); highest among the groups gnomAD compares: South Asian, 0.02%; no homozygotes.

Submissions (2):

Labcorp Genetics (formerly Invitae), Labcorp
Classification: Uncertain significance. Last evaluated: 2022-08-09. Review status: criteria provided, single submitter. Criteria: Invitae Variant Classification Sherloc (09022015). Collection method: clinical testing. Allele origin: germline.
Comment: This sequence change replaces arginine, which is basic and polar, with histidine, which is basic and polar, at codon 599 of the CAPN1 protein (p.Arg599His). This variant is present in population databases (rs368480943, gnomAD 0.03%). This variant has not been reported in the literature in individuals affected with CAPN1-related conditions. Algorithms developed to predict the effect of missense changes on protein structure and function are either unavailable or do not agree on the potential impact of this missense change (SIFT: "Tolerated"; PolyPhen-2: "Possibly Damaging"; Align-GVGD: "Class C0"). In summary, the available evidence is currently insufficient to determine the role of this variant in disease. Therefore, it has been classified as a Variant of Uncertain Significance.

Ambry Genetics
Classification: Uncertain significance for Inborn genetic diseases. Last evaluated: 2021-07-09. Review status: criteria provided, single submitter. Criteria: Ambry Variant Classification Scheme 2023. Collection method: clinical testing. Allele origin: germline.

NM_005186.4(CAPN1):c.1796G>A (p.Arg599His)

Genes: CAPN1 (calpain 1; plus strand), LOC126861236 (P300/CBP strongly-dependent group 1 enhancer GRCh37_chr11:64976880-64978079; plus strand). Cytogenetic location: 11q13.1.
Variant type: single nucleotide variant.
Coding change: c.1796G>A on transcript NM_005186.4 (MANE Select); coding-DNA position 1796, G replaced by A.
Protein change: p.Arg599His; replaces arginine 599 with histidine.
Molecular consequence: missense variant. On other transcripts: non-coding transcript variant (1).
Genome position (GRCh38, 1-based): chr11:65,209,850, G>A. VCF-style: chr11-65209850-G-A. GRCh37 (hg19) VCF-style: chr11-64977321-G-A.
Other names: c.1796G>A, p.Arg599His (NM_001198868.2, NM_001198869.2); c.1634G>A, p.Arg545His (NM_001198870.1); short protein forms R545H, R599H.
Identifiers: ClinVar variation 1988624 (VCV001988624.2), dbSNP rs368480943, ClinGen allele CA6093563.